The following is an entry in ClinVar:

NM_003091.4(SNRPB):c.269C>G (p.Thr90Ser)

Gene: SNRPB (small nuclear ribonucleoprotein polypeptides B and B1; minus strand). Cytogenetic location: 20p13.
Variant type: single nucleotide variant.
Coding change: c.269C>G on transcript NM_003091.4 (MANE Select); coding-DNA position 269, C replaced by G.
Protein change: p.Thr90Ser; replaces threonine 90 with serine.
Molecular consequence: missense variant.
Genome position (GRCh38, 1-based): chr20:2,463,898, G>C on the plus strand (C>G on the coding strand, the complement: SNRPB is on the minus strand). VCF-style: chr20-2463898-G-C. GRCh37 (hg19) VCF-style: chr20-2444544-G-C.
Other names: c.269C>G, p.Thr90Ser (NM_198216.2); short protein forms T90S.
Identifiers: ClinVar variation 4717665 (VCV004717665.1).

ClinVar aggregate classification (germline): Uncertain significance (1 of 4 stars; one submission).

Submission:

Labcorp Genetics (formerly Invitae), Labcorp
Classification: Uncertain significance. Last evaluated: 2025-10-26. Review status: criteria provided, single submitter. Criteria: Invitae Variant Classification Sherloc (09022015). Collection method: clinical testing. Allele origin: germline.
Comment: This sequence change replaces threonine, which is neutral and polar, with serine, which is neutral and polar, at codon 90 of the SNRPB protein (p.Thr90Ser). This variant is not present in population databases (gnomAD no frequency). This variant has not been reported in the literature in individuals affected with SNRPB-related conditions. An algorithm developed to predict the effect of missense changes on protein structure and function (PolyPhen-2) suggests that this variant is likely to be tolerated. In summary, the available evidence is currently insufficient to determine the role of this variant in disease. Therefore, it has been classified as a Variant of Uncertain Significance.